The following is an entry in ClinVar:

NM_002471.4(MYH6):c.678C>T (p.Pro226=)

Gene: MYH6 (myosin heavy chain 6; minus strand). Cytogenetic location: 14q11.2.
Variant type: single nucleotide variant.
Coding change: c.678C>T on transcript NM_002471.4 (MANE Select); coding-DNA position 678, C replaced by T.
Protein change: p.Pro226=; no amino-acid change (proline 226 retained).
Molecular consequence: synonymous variant.
Genome position (GRCh38, 1-based): chr14:23,404,353, G>A on the plus strand (C>T on the coding strand, the complement: MYH6 is on the minus strand). VCF-style: chr14-23404353-G-A. GRCh37 (hg19) VCF-style: chr14-23873562-G-A.
Identifiers: ClinVar variation 470553 (VCV000470553.18), dbSNP rs768893926, ClinGen allele CA7116065.
Genomic context (GRCh38, chr14:23,404,353, plus strand): 5'-CACAAAGCGGGAGGAGTTGTCGTTCCGGACAGTCTTGGCATTGCCGAAGGCCTCCAGAGC[G>A]GGGTTGGCCTGGATGATCTGGTCCTCCAGGGTGCCCTATGAAAGGAGCAGAACTGCATGG-3'
Protein context (NP_002462.2, residues 216-236): TLEDQIIQAN[Pro226=]ALEAFGNAKT

ClinVar aggregate classification (germline): Benign/Likely benign. Review status: criteria provided, multiple submitters, no conflicts (2 of 4 stars). 6 submissions from 6 submitters: Benign (1); Likely benign (4). 1 of the submissions does not count toward it. Last evaluated 2025-11-25.

Conditions:
Hypertrophic cardiomyopathy 14. Identifiers: MedGen C2750467, MONDO:0013197, OMIM 613251.
Cardiovascular phenotype. Identifiers: MedGen CN230736.
MYH6-related disorder. Also called: MYH6-Related Disorders; MYH6-related condition.

Allele frequency attached by ClinVar (database versions not stated): ExAC 0.00006; gnomAD exomes 0.00006; TOPMed 0.00009; gnomAD 0.00011.
gnomAD v4.1: 45 of 1,614,124 alleles (0.0028%); highest among the groups gnomAD compares: African/African-American, 0.02%; no homozygotes.

Submissions (6):

Labcorp Genetics (formerly Invitae), Labcorp
Classification: Likely benign for Hypertrophic cardiomyopathy 14. Last evaluated: 2025-11-25. Review status: criteria provided, single submitter. Criteria: Invitae Variant Classification Sherloc (09022015). Collection method: clinical testing. Allele origin: germline.

Blueprint Genetics
Classification: Likely benign. Last evaluated: 2023-08-04. Review status: criteria provided, single submitter. Criteria: ACMG Guidelines, 2015. Collection method: clinical testing. Allele origin: germline.

Women's Health and Genetics/Laboratory Corporation of America, LabCorp
Classification: Benign. Last evaluated: 2021-03-25. Review status: criteria provided, single submitter. Criteria: LabCorp Variant Classification Summary - May 2015. Collection method: clinical testing. Allele origin: germline.

GeneDx
Classification: Likely benign. Last evaluated: 2019-12-10. Review status: criteria provided, single submitter. Criteria: GeneDx Variant Classification Process June 2021. Collection method: clinical testing. Allele origin: germline. Affected: yes.

Ambry Genetics
Classification: Likely benign for Cardiovascular phenotype. Last evaluated: 2016-09-12. Review status: criteria provided, single submitter. Criteria: Ambry Variant Classification Scheme 2023. Collection method: clinical testing. Allele origin: germline.

PreventionGenetics, part of Exact Sciences
Classification: Likely benign for MYH6-related condition. Last evaluated: 2020-08-25. Review status: no assertion criteria provided. Collection method: clinical testing. Allele origin: germline. Not counted in ClinVar's aggregate classification.
Comment: This variant is classified as likely benign based on ACMG/AMP sequence variant interpretation guidelines (Richards et al. 2015 PMID: 25741868, with internal and published modifications).